The following is an entry in ClinVar:

ClinVar aggregate classification (germline): Pathogenic (1 of 4 stars; one submission).

Conditions:
Hereditary diffuse gastric adenocarcinoma (HDGC). Also called: DIFFUSE GASTRIC AND LOBULAR BREAST CANCER SYNDROME. Identifiers: Orphanet 26106, MedGen C1708349, MONDO:0007648, OMIM 137215.

Submission:

Myriad Genetics, Inc.
Classification: Pathogenic for Hereditary diffuse gastric adenocarcinoma. Last evaluated: 2023-03-06. Review status: criteria provided, single submitter. Criteria: Myriad Autosomal Dominant, Autosomal Recessive and X-Linked Classification Criteria (2023). Collection method: clinical testing. Allele origin: unknown.
Comment: This variant is considered pathogenic. This variant creates a frameshift predicted to result in premature protein truncation.

NM_004360.5(CDH1):c.1273del (p.Val425fs)

Gene: CDH1 (cadherin 1; plus strand). Cytogenetic location: 16q22.1.
Variant type: Deletion.
Coding change: c.1273del on transcript NM_004360.5 (MANE Select); coding-DNA position 1273, one base deleted (G; older notation c.1273delG).
Protein change: p.Val425fs; shifts the reading frame from valine 425.
Molecular consequence: frameshift variant. On other transcripts: 5 prime UTR variant (2), intron variant (1).
Genome position (GRCh38, 1-based): chr16:68,813,448, G deleted. VCF-style (leftmost placement, unchanged base first): chr16-68813447-CG-C. GRCh37 (hg19) VCF-style: chr16-68847350-CG-C.
Other names: c.-343del (NM_001317185.2); c.-547del (NM_001317186.2); c.1137+1185del (NM_001317184.2); short protein forms V425fs.
Identifiers: ClinVar variation 2573314 (VCV002573314.1), dbSNP rs2543927038, ClinGen allele CA2580612849.
Genomic context (GRCh38, chr16:68,813,447, plus strand): 5'-CAATACCCCAGCGTGGGAGGCTGTATACACCATATTGAATGATGATGGTGGACAATTTGT[CG>C]TCACCACAAATCCAGTGAACAACGATGGCATTTTGAAAACAGCAAAGGTTTGTATGGTAC-3'